The following is an entry in ClinVar:

NM_012280.4(FTSJ1):c.495C>T (p.Leu165=)

Gene: FTSJ1 (FtsJ RNA 2'-O-methyltransferase 1; plus strand). Cytogenetic location: Xp11.23.
Variant type: single nucleotide variant.
Coding change: c.495C>T on transcript NM_012280.4 (MANE Select); coding-DNA position 495, C replaced by T.
Protein change: p.Leu165=; no amino-acid change (leucine 165 retained).
Molecular consequence: synonymous variant.
Genome position (GRCh38, 1-based): chrX:48,481,452, C>T. VCF-style: chrX-48481452-C-T. GRCh37 (hg19) VCF-style: chrX-48339840-C-T.
Other names: c.84C>T, p.Leu28= (NM_001282157.2); c.495C>T, p.Leu165= (NM_177439.3).
Identifiers: ClinVar variation 129119 (VCV000129119.18), dbSNP rs34407506, ClinGen allele CA152914.
Genomic context (GRCh38, chrX:48,481,452, plus strand): 5'-CCTCACCCGCTGTCTTTGCCTTCTCACCCTGCAGATATTCCGAGGCCGGGATGTGACGCT[C>T]CTCTACAGCCAGCTGCAGGTCTTCTTCTCCAGCGTGCTGTGTGCCAAGCCCAGGAGCAGC-3'
Protein context (NP_036412.1, residues 155-175): AKIFRGRDVT[Leu165=]LYSQLQVFFS

ClinVar aggregate classification (germline): Benign. Review status: criteria provided, multiple submitters, no conflicts (2 of 4 stars). 5 submissions from 5 submitters: Benign (4). 1 of the submissions does not count toward it. Last evaluated 2026-01-16.

Conditions:
Inborn genetic diseases. Identifiers: MedGen C0950123, MeSH D030342.

Allele frequency attached by ClinVar (database versions not stated): gnomAD exomes 0.00163 and 0.00470; ExAC 0.00618; gnomAD 0.01586 and 0.01692; 1000 Genomes Project 0.01669; 1000 Genomes Project 30x 0.01811; TOPMed 0.01859; ESP Exome Variant Server 0.02140.
gnomAD v4.1: 3,664 of 1,210,631 alleles (0.3%); highest among the groups gnomAD compares: African/African-American, 5.6%; 83 homozygotes.

Submissions (5):

Labcorp Genetics (formerly Invitae), Labcorp
Classification: Benign. Last evaluated: 2026-01-16. Review status: criteria provided, single submitter. Criteria: Invitae Variant Classification Sherloc (09022015). Collection method: clinical testing. Allele origin: germline.

GeneDx
Classification: Benign. Last evaluated: 2021-06-10. Review status: criteria provided, single submitter. Criteria: GeneDx Variant Classification Process June 2021. Collection method: clinical testing. Allele origin: germline. Affected: yes.

Ambry Genetics
Classification: Benign for Inborn genetic diseases. Last evaluated: 2016-03-01. Review status: criteria provided, single submitter. Criteria: Ambry Variant Classification Scheme 2023. Collection method: clinical testing. Allele origin: germline.

Breakthrough Genomics
Classification: Benign. Review status: criteria provided, single submitter. Criteria: ACMG Guidelines, 2015. Collection method: not provided. Allele origin: germline. Inheritance: X-linked inheritance. Affected: yes.

Genetic Services Laboratory, University of Chicago
Classification: Likely benign for AllHighlyPenetrant. Review status: no assertion criteria provided. Collection method: clinical testing. Allele origin: germline. Inheritance: X-linked inheritance. Not counted in ClinVar's aggregate classification.
Comment: Likely benign based on allele frequency in 1000 Genomes Project or ESP global frequency and its presence in a patient with a rare or unrelated disease phenotype. NOT Sanger confirmed.